The following is an entry in ClinVar:

NM_017534.6(MYH2):c.4021T>A (p.Ser1341Thr)

Genes: MYH2 (myosin heavy chain 2; minus strand), MYHAS (myosin heavy chain gene cluster antisense RNA; plus strand). Cytogenetic location: 17p13.1.
Variant type: single nucleotide variant.
Coding change: c.4021T>A on transcript NM_017534.6 (MANE Select); coding-DNA position 4021, T replaced by A.
Protein change: p.Ser1341Thr; replaces serine 1341 with threonine.
Molecular consequence: missense variant.
Genome position (GRCh38, 1-based): chr17:10,526,765, A>T on the plus strand (T>A on the coding strand, the complement: MYH2 is on the minus strand). VCF-style: chr17-10526765-A-T. GRCh37 (hg19) VCF-style: chr17-10430082-A-T.
Other names: c.4021T>A, p.Ser1341Thr (NM_001100112.2); short protein forms S1341T.
Identifiers: ClinVar variation 1352812 (VCV001352812.6), dbSNP rs554321580, ClinGen allele CA287737699.
Genomic context (GRCh38, chr17:10,526,765, plus strand): 5'-CCTTGGATTCCTGCTCCTCCTCATACTGTTCCCGCAGCAGGTCACAGTCGTGGCGGGAAG[A>T]CTGCAGGGCATGCGCCAGGGCGTTCTTGGCCTATGGAGGCAGTTACACCTTCATTTTACT-3'
Protein context (NP_060004.3, residues 1331-1351): AKNALAHALQ[Ser1341Thr]SRHDCDLLRE

ClinVar aggregate classification (germline): Uncertain significance (1 of 4 stars; one submission).

Conditions:
Myopathy, proximal, and ophthalmoplegia (CMYO6). Also called: CONGENITAL MYOPATHY 6 WITH OPHTHALMOPLEGIA; MYOPATHY WITH CONGENITAL JOINT CONTRACTURES, OPHTHALMOPLEGIA, AND RIMMED VACUOLES; INCLUSION BODY MYOPATHY 3, AUTOSOMAL DOMINANT. Identifiers: Orphanet 363677, Orphanet 79091, MedGen C1854106, MONDO:0011577, OMIM 605637.

Allele frequency attached by ClinVar (database versions not stated): gnomAD exomes below 0.00001.
gnomAD v4.1: 2 of 1,614,246 alleles (0.00012%); highest among the groups gnomAD compares: Non-Finnish European, 0.00017%; no homozygotes.

Submission:

Labcorp Genetics (formerly Invitae), Labcorp
Classification: Uncertain significance for Myopathy, proximal, and ophthalmoplegia. Last evaluated: 2022-11-08. Review status: criteria provided, single submitter. Criteria: Invitae Variant Classification Sherloc (09022015). Collection method: clinical testing. Allele origin: germline.
Comment: In summary, the available evidence is currently insufficient to determine the role of this variant in disease. Therefore, it has been classified as a Variant of Uncertain Significance. Advanced modeling of protein sequence and biophysical properties (such as structural, functional, and spatial information, amino acid conservation, physicochemical variation, residue mobility, and thermodynamic stability) performed at Invitae indicates that this missense variant is not expected to disrupt MYH2 protein function. ClinVar contains an entry for this variant (Variation ID: 1352812). This variant has not been reported in the literature in individuals affected with MYH2-related conditions. This variant is not present in population databases (gnomAD no frequency). This sequence change replaces serine, which is neutral and polar, with threonine, which is neutral and polar, at codon 1341 of the MYH2 protein (p.Ser1341Thr).